The following is an entry in ClinVar:

ClinVar aggregate classification (germline): Uncertain significance (1 of 4 stars; one submission).

Submission:

Labcorp Genetics (formerly Invitae), Labcorp
Classification: Uncertain significance. Last evaluated: 2024-09-04. Review status: criteria provided, single submitter. Criteria: Invitae Variant Classification Sherloc (09022015). Collection method: clinical testing. Allele origin: germline.
Comment: This sequence change replaces alanine, which is neutral and non-polar, with valine, which is neutral and non-polar, at codon 74 of the GATA5 protein (p.Ala74Val). This variant is not present in population databases (gnomAD no frequency). This variant has not been reported in the literature in individuals affected with GATA5-related conditions. Invitae Evidence Modeling of protein sequence and biophysical properties (such as structural, functional, and spatial information, amino acid conservation, physicochemical variation, residue mobility, and thermodynamic stability) indicates that this missense variant is not expected to disrupt GATA5 protein function with a negative predictive value of 80%. In summary, the available evidence is currently insufficient to determine the role of this variant in disease. Therefore, it has been classified as a Variant of Uncertain Significance.

NM_080473.5(GATA5):c.221C>T (p.Ala74Val)

Gene: GATA5 (GATA binding protein 5; minus strand). Cytogenetic location: 20q13.33.
Variant type: single nucleotide variant.
Coding change: c.221C>T on transcript NM_080473.5 (MANE Select); coding-DNA position 221, C replaced by T.
Protein change: p.Ala74Val; replaces alanine 74 with valine.
Molecular consequence: missense variant.
Genome position (GRCh38, 1-based): chr20:62,475,301, G>A on the plus strand (C>T on the coding strand, the complement: GATA5 is on the minus strand). VCF-style: chr20-62475301-G-A. GRCh37 (hg19) VCF-style: chr20-61050357-G-A.
Other names: short protein forms A74V.
Identifiers: ClinVar variation 3632010 (VCV003632010.2).